The following is an entry in ClinVar:

ClinVar aggregate classification (germline): Uncertain significance (1 of 4 stars; one submission).

Submission:

Labcorp Genetics (formerly Invitae), Labcorp
Classification: Uncertain significance. Last evaluated: 2021-12-02. Review status: criteria provided, single submitter. Criteria: Invitae Variant Classification Sherloc (09022015). Collection method: clinical testing. Allele origin: germline.
Comment: In summary, the available evidence is currently insufficient to determine the role of this variant in disease. Therefore, it has been classified as a Variant of Uncertain Significance. Algorithms developed to predict the effect of missense changes on protein structure and function are either unavailable or do not agree on the potential impact of this missense change (SIFT: "Tolerated"; PolyPhen-2: "Possibly Damaging"; Align-GVGD: "Class C0"). This variant has not been reported in the literature in individuals affected with PACS2-related conditions. This variant is not present in population databases (gnomAD no frequency). This sequence change replaces lysine, which is basic and polar, with glutamine, which is neutral and polar, at codon 664 of the PACS2 protein (p.Lys664Gln).

NM_001100913.3(PACS2):c.1990A>C (p.Lys664Gln)

Gene: PACS2 (phosphofurin acidic cluster sorting protein 2; plus strand). Cytogenetic location: 14q32.33.
Variant type: single nucleotide variant.
Coding change: c.1990A>C on transcript NM_001100913.3 (MANE Select); coding-DNA position 1990, A replaced by C.
Protein change: p.Lys664Gln; replaces lysine 664 with glutamine.
Molecular consequence: missense variant.
Genome position (GRCh38, 1-based): chr14:105,384,977, A>C. VCF-style: chr14-105384977-A-C. GRCh37 (hg19) VCF-style: chr14-105851314-A-C.
Other names: c.1753A>C, p.Lys585Gln (NM_001243127.3); c.1978A>C, p.Lys660Gln (NM_015197.4); short protein forms K660Q, K585Q, K664Q.
Identifiers: ClinVar variation 1440129 (VCV001440129.6), dbSNP rs2141261977, ClinGen allele CA391184429.
Genomic context (GRCh38, chr14:105,384,977, plus strand): 5'-TACATCGCAGGGGCCAACTGTGCCCACCAGCTCCCCATCGCAGAGGCCATGCTGACCTAC[A>C]AGCAGAAGAGGTAACGCGGTGGGCCCAGGCACCATACCACAGGCTGCCGCCAGCCACCAA-3'
Protein context (NP_001094383.2, residues 654-674): LPIAEAMLTY[Lys664Gln]QKRKKHFHFD